The following is an entry in ClinVar:

ClinVar aggregate classification (germline): Uncertain significance. Review status: criteria provided, multiple submitters, no conflicts (2 of 4 stars). 2 submissions from 2 submitters: Uncertain significance (2). Last evaluated 2020-04-17.

Conditions:
Cardiovascular phenotype. Identifiers: MedGen CN230736.

Allele frequency attached by ClinVar (database versions not stated): TOPMed 0.00001.
gnomAD v4.1: 4 of 1,613,516 alleles (0.00025%); highest among the groups gnomAD compares: Non-Finnish European, 0.00034%; no homozygotes.

Submissions (2):

Ambry Genetics
Classification: Uncertain significance for Cardiovascular phenotype. Last evaluated: 2020-04-17. Review status: criteria provided, single submitter. Criteria: Ambry Variant Classification Scheme 2023. Collection method: clinical testing. Allele origin: germline.
Comment: The p.T11591I variant (also known as c.34772C>T), located in coding exon 131 of the TTN gene, results from a C to T substitution at nucleotide position 34772. The threonine at codon 11591 is replaced by isoleucine, an amino acid with similar properties. This amino acid position is highly conserved in available vertebrate species. In addition, this alteration is predicted to be tolerated by in silico analysis. Since supporting evidence is limited at this time, the clinical significance of this alteration remains unclear.

Eurofins Ntd Llc (ga)
Classification: Uncertain significance. Last evaluated: 2017-01-12. Review status: criteria provided, single submitter. Criteria: EGL Classification Definitions 2015. Collection method: clinical testing. Allele origin: germline. Observed: 1 variant allele, 1 heterozygote.

NM_001267550.2(TTN):c.61967C>T (p.Thr20656Ile)

Genes: TTN-AS1 (TTN antisense RNA 1; plus strand), TTN (titin; minus strand). Cytogenetic location: 2q31.2.
Variant type: single nucleotide variant.
Coding change: c.61967C>T on transcript NM_001267550.2 (MANE Select); coding-DNA position 61967, C replaced by T.
Protein change: p.Thr20656Ile; replaces threonine 20656 with isoleucine.
Molecular consequence: missense variant.
Genome position (GRCh38, 1-based): chr2:178,589,758, G>A on the plus strand (C>T on the coding strand, the complement: TTN is on the minus strand). VCF-style: chr2-178589758-G-A. GRCh37 (hg19) VCF-style: chr2-179454485-G-A.
Other names: c.57044C>T, p.Thr19015Ile (NM_001256850.1); c.34772C>T, p.Thr11591Ile (NM_003319.4); c.54263C>T, p.Thr18088Ile (NM_133378.4); c.35147C>T, p.Thr11716Ile (NM_133432.3); c.35348C>T, p.Thr11783Ile (NM_133437.4); short protein forms T18088I, T20656I, T11783I, T19015I, T11591I, T11716I.
Identifiers: ClinVar variation 499638 (VCV000499638.7), dbSNP rs1363633199, ClinGen allele CA349466989.
Genomic context (GRCh38, chr2:178,589,758, plus strand): 5'-TGAAGGTTTTCAGGCTCACCTGGTCTGTCAATAGGGTTAATAGCCAGAATGGGAGTTTTT[G>A]TTTCGATGGTTGGCCCAACACCTACTTTATTCTCTGCACAAACTCGGAAATAGTATTCAT-3'
Protein context (NP_001254479.2, residues 20646-20666): NKVGVGPTIE[Thr20656Ile]KTPILAINPI